The following is an entry in ClinVar:

ClinVar aggregate classification (germline): Uncertain significance (1 of 4 stars; one submission).

Conditions:
Retinitis pigmentosa 12 (RP12). Also called: RP WITH OR WITHOUT PPRPE; RP WITH OR WITHOUT PRESERVED PARAARTERIOLE RETINAL PIGMENT EPITHELIUM; RETINITIS PIGMENTOSA WITH OR WITHOUT PARAARTERIOLAR PRESERVATION OF RETINAL PIGMENT EPITHELIUM. Identifiers: Orphanet 791, MedGen C1838647, MONDO:0010818, OMIM 600105.
Leber congenital amaurosis 8 (LCA8). Identifiers: Orphanet 65, MedGen C3151202, MONDO:0013453, OMIM 613835.

gnomAD v4.1: 4 of 1,613,780 alleles (0.00025%); highest among the groups gnomAD compares: East Asian, 0.0045%; no homozygotes.

Submission:

Labcorp Genetics (formerly Invitae), Labcorp
Classification: Uncertain significance for Leber congenital amaurosis 8; Retinitis pigmentosa 12. Last evaluated: 2022-05-20. Review status: criteria provided, single submitter. Criteria: Invitae Variant Classification Sherloc (09022015). Collection method: clinical testing. Allele origin: germline.
Comment: In summary, the available evidence is currently insufficient to determine the role of this variant in disease. Therefore, it has been classified as a Variant of Uncertain Significance. Advanced modeling of protein sequence and biophysical properties (such as structural, functional, and spatial information, amino acid conservation, physicochemical variation, residue mobility, and thermodynamic stability) performed at Invitae indicates that this missense variant is not expected to disrupt CRB1 protein function. This variant has not been reported in the literature in individuals affected with CRB1-related conditions. This variant is not present in population databases (gnomAD no frequency). This sequence change replaces alanine, which is neutral and non-polar, with glutamic acid, which is acidic and polar, at codon 1401 of the CRB1 protein (p.Ala1401Glu).

NM_201253.3(CRB1):c.4202C>A (p.Ala1401Glu)

Gene: CRB1 (crumbs cell polarity complex component 1; plus strand). Cytogenetic location: 1q31.3.
Variant type: single nucleotide variant.
Coding change: c.4202C>A on transcript NM_201253.3 (MANE Select); coding-DNA position 4202, C replaced by A.
Protein change: p.Ala1401Glu; replaces alanine 1401 with glutamic acid.
Molecular consequence: missense variant. On other transcripts: non-coding transcript variant (2).
Genome position (GRCh38, 1-based): chr1:197,477,860, C>A. VCF-style: chr1-197477860-C-A. GRCh37 (hg19) VCF-style: chr1-197446990-C-A.
Other names: c.3866C>A, p.Ala1289Glu (NM_001193640.2); c.4130C>A, p.Ala1377Glu (NM_001257965.2); c.2594C>A, p.Ala865Glu (NM_001257966.2); short protein forms A865E, A1289E, A1377E, A1401E.
Identifiers: ClinVar variation 2144638 (VCV002144638.4), dbSNP rs757543515, ClinGen allele CA35895830.
Genomic context (GRCh38, chr1:197,477,860, plus strand): 5'-CCAGCCGTCAGGAGAAGGAGGGCTCCCGAGTGGAAATGTGGAACTTGATGCCACCCCCTG[C>A]AATGGAGAGACTGATTTAGGAGCATTGTGTCCCTTCGAGATGGGGATCCACACACTGTGA-3'
Protein context (NP_957705.1, residues 1391-1406): VEMWNLMPPP[Ala1401Glu]MERLI